The following is an entry in ClinVar:

ClinVar aggregate classification (germline): Likely pathogenic (1 of 4 stars; one submission).

Conditions:
Usher syndrome type 1D (USH1D). Also called: USHER SYNDROME, TYPE ID. Identifiers: Orphanet 231169, Orphanet 886, MedGen C1832845, MONDO:0010984, OMIM 601067.

Submission:

Myriad Genetics, Inc.
Classification: Likely pathogenic for Usher syndrome type 1D. Last evaluated: 2022-05-26. Review status: criteria provided, single submitter. Criteria: Myriad Women's Health Autosomal Recessive and X-Linked Classification Criteria (2021). Collection method: clinical testing. Allele origin: unknown.
Comment: NM_033056.3(PCDH15):c.1515dupC(T506Hfs*6) is expected to be pathogenic in the context of PCDH15-related disorders. This variant is predicted to lead to an abnormal or absent protein product due to the creation of a premature termination codon in PCDH15, a gene where loss-of-function variants are known to be pathogenic. Please note: this variant was assessed in the context of healthy population screening.

NM_001384140.1(PCDH15):c.1515dup (p.Thr506fs)

Gene: PCDH15 (protocadherin related 15; minus strand). Cytogenetic location: 10q21.1.
Variant type: Duplication.
Coding change: c.1515dup on transcript NM_001384140.1 (MANE Select); coding-DNA position 1515, one base duplicated (C; older notation c.1515dupC).
Protein change: p.Thr506fs; shifts the reading frame from threonine 506.
Molecular consequence: frameshift variant.
Genome position (GRCh38, 1-based): chr10:54,183,519, G duplicated on the plus strand (C on the coding strand, the reverse complement: PCDH15 is on the minus strand). VCF-style (leftmost placement, unchanged base first): chr10-54183518-T-TG. GRCh37 (hg19) VCF-style: chr10-55943278-T-TG.
Other names: c.1530dup, p.Thr511fs (NM_001142763.2, NM_001142771.2); c.1515dup, p.Thr506fs (NM_001142764.2, NM_001142765.2, NM_001142766.2 and 6 more transcripts); c.1404dup, p.Thr469fs (NM_001142767.2); c.1449dup, p.Thr484fs (NM_001142768.2, NM_001142773.2, NM_001354404.2); c.1551dup, p.Thr518Hisfs (NM_001142769.4); c.1536dup, p.Thr513fs (NM_001354411.2); short protein forms T469fs, T484fs, T506fs, T511fs, T513fs, T518fs.
Identifiers: ClinVar variation 1726216 (VCV001726216.2), dbSNP rs2539476089, ClinGen allele CA2580081638.